The following is an entry in ClinVar:

ClinVar aggregate classification (germline): Benign/Likely benign. Review status: criteria provided, multiple submitters, no conflicts (2 of 4 stars). 8 submissions from 8 submitters: Benign (7); Likely benign (1). Last evaluated 2026-02-02.

Conditions:
Xanthinuria type II. Also called: Xanthine dehydrogenase and aldehyde oxidase combined deficiency of; XDH and AOX dual deficiency. Identifiers: Orphanet 3467, Orphanet 93602, MedGen C1863688, MONDO:0011346, OMIM 603592.
Hereditary xanthinuria type 1 (XAN1). Identifiers: Orphanet 3467, Orphanet 93601, MedGen C0268118, MONDO:0010209, OMIM 278300.

Allele frequency attached by ClinVar (database versions not stated): 1000 Genomes Project 0.04014; 1000 Genomes Project 30x 0.04060; gnomAD exomes 0.04909 and 0.05808; ExAC 0.05097; TOPMed 0.05104; gnomAD 0.05236 and 0.05261; ESP Exome Variant Server 0.06113.
gnomAD v4.1: 92,792 of 1,614,126 alleles (5.7%); highest among the groups gnomAD compares: South Asian, 7.3%; 2,861 homozygotes.

Submissions (8):

Labcorp Genetics (formerly Invitae), Labcorp
Classification: Benign for Xanthinuria type II. Last evaluated: 2026-02-02. Review status: criteria provided, single submitter. Criteria: Invitae Variant Classification Sherloc (09022015). Collection method: clinical testing. Allele origin: germline.

Blueprint Genetics
Classification: Likely benign. Last evaluated: 2024-11-26. Review status: criteria provided, single submitter. Criteria: ACMG Guidelines, 2015. Collection method: clinical testing. Allele origin: germline.

Mayo Clinic Laboratories, Mayo Clinic
Classification: Benign. Last evaluated: 2022-10-31. Review status: criteria provided, single submitter. Criteria: ACMG Guidelines, 2015. Collection method: clinical testing. Allele origin: germline. Observed: 15 variant alleles.

Genome-Nilou Lab
Classification: Benign for Hereditary xanthinuria type 1. Last evaluated: 2021-12-05. Review status: criteria provided, single submitter. Criteria: ACMG Guidelines, 2015. Collection method: clinical testing. Allele origin: germline. Affected: no.

GeneDx
Classification: Benign. Last evaluated: 2020-03-07. Review status: criteria provided, single submitter. Criteria: GeneDx Variant Classification Process June 2021. Collection method: clinical testing. Allele origin: germline. Affected: yes.

Illumina Laboratory Services, Illumina
Classification: Benign for Hereditary xanthinuria type 1. Last evaluated: 2018-01-13. Review status: criteria provided, single submitter. Criteria: ICSL Variant Classification Criteria 13 December 2019. Collection method: clinical testing. Allele origin: germline.
Comment: This variant was observed in the ICSL laboratory as part of a predisposition screen in an ostensibly healthy population. It had not been previously curated by ICSL or reported in the Human Gene Mutation Database (HGMD: prior to June 1st, 2018), and was therefore a candidate for classification through an automated scoring system. Utilizing variant allele frequency, disease prevalence and penetrance estimates, and inheritance mode, an automated score was calculated to assess if this variant is too frequent to cause the disease. Based on the score and internal cut-off values, a variant classified as benign is not then subjected to further curation. The score for this variant resulted in a classification of benign for this disease.

Breakthrough Genomics
Classification: Benign. Review status: criteria provided, single submitter. Criteria: ACMG Guidelines, 2015. Collection method: not provided. Allele origin: germline. Inheritance: Autosomal recessive inheritance. Affected: yes.

PreventionGenetics, part of Exact Sciences
Classification: Benign. Review status: criteria provided, single submitter. Criteria: ACMG Guidelines, 2015. Collection method: clinical testing. Allele origin: germline.

NM_000379.4(XDH):c.3717G>A (p.Glu1239=)

Gene: XDH (xanthine dehydrogenase; minus strand). Cytogenetic location: 2p23.1.
Variant type: single nucleotide variant.
Coding change: c.3717G>A on transcript NM_000379.4 (MANE Select); coding-DNA position 3717, G replaced by A.
Protein change: p.Glu1239=; no amino-acid change (glutamic acid 1239 retained).
Molecular consequence: synonymous variant.
Genome position (GRCh38, 1-based): chr2:31,339,546, C>T on the plus strand (G>A on the coding strand, the complement: XDH is on the minus strand). VCF-style: chr2-31339546-C-T. GRCh37 (hg19) VCF-style: chr2-31562412-C-T.
Other names: p.Glu1239=.
Identifiers: ClinVar variation 255970 (VCV000255970.19), dbSNP rs207440, ClinGen allele CA1598291.
Genomic context (GRCh38, chr2:31,339,546, plus strand): 5'-TACCTTCGATGCATAGATGGCCTTCTTGTTGGGGCAGTCGCGGAGCAGGGACACCCTGAA[C>T]TCAATGGGGATGCTGCCAAATGCCGGGATCTTGTAGGTGCTAGGGCCACGGGTGTGCAGG-3'
Protein context (NP_000370.2, residues 1229-1249): KIPAFGSIPI[Glu1239=]FRVSLLRDCP